The following is an entry in ClinVar:

NM_004104.5(FASN):c.7145G>C (p.Arg2382Thr)

Gene: FASN (fatty acid synthase; minus strand). Cytogenetic location: 17q25.3.
Variant type: single nucleotide variant.
Coding change: c.7145G>C on transcript NM_004104.5 (MANE Select); coding-DNA position 7145, G replaced by C.
Protein change: p.Arg2382Thr; replaces arginine 2382 with threonine.
Molecular consequence: missense variant.
Genome position (GRCh38, 1-based): chr17:82,080,141, C>G on the plus strand (G>C on the coding strand, the complement: FASN is on the minus strand). VCF-style: chr17-82080141-C-G. GRCh37 (hg19) VCF-style: chr17-80038017-C-G.
Other names: c.7145G>C (NM_004104.4); short protein forms R2382T.
Identifiers: ClinVar variation 1444493 (VCV001444493.9), dbSNP rs925836770, ClinGen allele CA295202342.
Genomic context (GRCh38, chr17:82,080,141, plus strand): 5'-CCCTTCCGTTCCTGCCCAGTACTCTGGGTCCTGCGGCCTCAGGGGTGTCCAGGACCCACC[C>G]TGTTGTGCTCCATGTCCGTGAACTGCTGCACGAAGAAGCATATGGCCTCCGTCTCAGCCT-3'
Protein context (NP_004095.4, residues 2372-2392): VQQFTDMEHN[Arg2382Thr]VLEALLPLKG

ClinVar aggregate classification (germline): Uncertain significance. Review status: criteria provided, multiple submitters, no conflicts (2 of 4 stars). 2 submissions from 2 submitters: Uncertain significance (2). Last evaluated 2025-08-30.

Conditions:
Epileptic encephalopathy. Identifiers: MedGen C0543888, HP:0200134.

gnomAD v4.1: 18 of 1,613,010 alleles (0.0011%); highest among the groups gnomAD compares: African/African-American, 0.012%; no homozygotes.

Submissions (2):

Labcorp Genetics (formerly Invitae), Labcorp
Classification: Uncertain significance for Epileptic encephalopathy. Last evaluated: 2025-08-30. Review status: criteria provided, single submitter. Criteria: Invitae Variant Classification Sherloc (09022015). Collection method: clinical testing. Allele origin: germline.
Comment: This sequence change replaces arginine, which is basic and polar, with threonine, which is neutral and polar, at codon 2382 of the FASN protein (p.Arg2382Thr). This variant is present in population databases (no rsID available, gnomAD 0.01%). This variant has not been reported in the literature in individuals affected with FASN-related conditions. ClinVar contains an entry for this variant (Variation ID: 1444493). An algorithm developed to predict the effect of missense changes on protein structure and function (PolyPhen-2) suggests that this variant is likely to be tolerated. In summary, the available evidence is currently insufficient to determine the role of this variant in disease. Therefore, it has been classified as a Variant of Uncertain Significance.

Ambry Genetics
Classification: Uncertain significance. Last evaluated: 2025-05-20. Review status: criteria provided, single submitter. Criteria: Ambry Variant Classification Scheme 2023. Collection method: clinical testing. Allele origin: germline.